The following is an entry in ClinVar:

NM_000368.5(TSC1):c.*1127C>T

Gene: TSC1 (TSC complex subunit 1; minus strand). Cytogenetic location: 9q34.13.
Variant type: single nucleotide variant.
Coding change: c.*1127C>T on transcript NM_000368.5 (MANE Select); 1127 bases downstream of the stop codon, C replaced by T.
Molecular consequence: 3 prime UTR variant.
Genome position (GRCh38, 1-based): chr9:132,895,108, G>A on the plus strand (C>T on the coding strand, the complement: TSC1 is on the minus strand). VCF-style: chr9-132895108-G-A. GRCh37 (hg19) VCF-style: chr9-135770495-G-A.
Other names: c.*1127C>T (NM_001162426.2, NM_001162427.2, NM_001362177.2).
Identifiers: ClinVar variation 912994 (VCV000912994.4), dbSNP rs139119563, ClinGen allele CA200924655.

ClinVar aggregate classification (germline): Benign. Review status: criteria provided, single submitter (1 of 4 stars). 2 submissions from 1 submitter: Benign (2). Last evaluated 2018-01-13.

Conditions:
Isolated focal cortical dysplasia type II (FCORD2). Also called: CORTICAL DYSPLASIA OF TAYLOR; Focal cortical dysplasia type II. Identifiers: Orphanet 268994, MedGen C1846385, MONDO:0011818, OMIM 607341, HP:0032051.
Tuberous sclerosis 1 (TSC1). Identifiers: Orphanet 805, MedGen C1854465, MONDO:0008612, OMIM 191100.

Allele frequency attached by ClinVar (database versions not stated): gnomAD exomes 0.00028; gnomAD 0.00177 and 0.00194; TOPMed 0.00195; 1000 Genomes Project 0.00220; 1000 Genomes Project 30x 0.00234.
gnomAD v4.1: 299 of 233,222 alleles (0.13%); highest among the groups gnomAD compares: African/African-American, 0.58%; no homozygotes.

Submissions (2):

Illumina Laboratory Services, Illumina
Classification: Benign for Isolated focal cortical dysplasia type II. Last evaluated: 2018-01-13. Review status: criteria provided, single submitter. Criteria: ICSL Variant Classification Criteria 13 December 2019. Collection method: clinical testing. Allele origin: germline.
Comment: This variant was observed in the ICSL laboratory as part of a predisposition screen in an ostensibly healthy population. It had not been previously curated by ICSL or reported in the Human Gene Mutation Database (HGMD: prior to June 1st, 2018), and was therefore a candidate for classification through an automated scoring system. Utilizing variant allele frequency, disease prevalence and penetrance estimates, and inheritance mode, an automated score was calculated to assess if this variant is too frequent to cause the disease. Based on the score and internal cut-off values, a variant classified as benign is not then subjected to further curation. The score for this variant resulted in a classification of benign for this disease.

Illumina Laboratory Services, Illumina
Classification: Benign for Tuberous sclerosis 1. Last evaluated: 2018-01-13. Review status: criteria provided, single submitter. Criteria: ICSL Variant Classification Criteria 13 December 2019. Collection method: clinical testing. Allele origin: germline.
Comment: the same text as in the submission from Illumina Laboratory Services, Illumina above.